The following is an entry in ClinVar:

ClinVar aggregate classification (germline): Uncertain significance (1 of 4 stars; one submission).

gnomAD v4.1: 18 of 1,613,812 alleles (0.0011%); highest among the groups gnomAD compares: African/African-American, 0.004%; no homozygotes.

Submission:

Labcorp Genetics (formerly Invitae), Labcorp
Classification: Uncertain significance. Last evaluated: 2025-09-04. Review status: criteria provided, single submitter. Criteria: Invitae Variant Classification Sherloc (09022015). Collection method: clinical testing. Allele origin: germline.
Comment: This sequence change replaces arginine, which is basic and polar, with cysteine, which is neutral and slightly polar, at codon 153 of the MFAP5 protein (p.Arg153Cys). This variant is present in population databases (rs779463853, gnomAD 0.008%). This variant has not been reported in the literature in individuals affected with MFAP5-related conditions. An algorithm developed to predict the effect of missense changes on protein structure and function (PolyPhen-2) suggests that this variant is likely to be disruptive. In summary, the available evidence is currently insufficient to determine the role of this variant in disease. Therefore, it has been classified as a Variant of Uncertain Significance.

NM_003480.4(MFAP5):c.457C>T (p.Arg153Cys)

Genes: MFAP5 (microfibril associated protein 5; minus strand), LOC126861443 (BRD4-independent group 4 enhancer GRCh37_chr12:8800473-8801672; plus strand). Cytogenetic location: 12p13.31.
Variant type: single nucleotide variant.
Coding change: c.457C>T on transcript NM_003480.4 (MANE Select); coding-DNA position 457, C replaced by T.
Protein change: p.Arg153Cys; replaces arginine 153 with cysteine.
Molecular consequence: missense variant. On other transcripts: non-coding transcript variant (2).
Genome position (GRCh38, 1-based): chr12:8,648,156, G>A on the plus strand (C>T on the coding strand, the complement: MFAP5 is on the minus strand). VCF-style: chr12-8648156-G-A. GRCh37 (hg19) VCF-style: chr12-8800752-G-A.
Other names: c.427C>T, p.Arg143Cys (NM_001297709.2); c.391C>T, p.Arg131Cys (NM_001297710.2); c.382C>T, p.Arg128Cys (NM_001297711.2); c.265C>T, p.Arg89Cys (NM_001297712.2); short protein forms R128C, R131C, R143C, R89C, R153C.
Identifiers: ClinVar variation 4700222 (VCV004700222.1).
Genomic context (GRCh38, chr12:8,648,156, plus strand): 5'-GACCATTGGGTCTCTGCAAATCCACATTTTCACAGGGAGGAAGTCGGAAGTAATTGGAGC[G>A]ACGGAGTCTCCTAGGGGGCAGACCAGCCATCTGACGGCAAAGCTCATCTAGAAGAGAAGC-3'
Protein context (NP_003471.1, residues 143-163): MAGLPPRRLR[Arg153Cys]SNYFRLPPCE